The following is an entry in ClinVar:

NM_000135.4(FANCA):c.1235C>T (p.Ala412Val)

Gene: FANCA (FA complementation group A; minus strand). Cytogenetic location: 16q24.3.
Variant type: single nucleotide variant.
Coding change: c.1235C>T on transcript NM_000135.4 (MANE Select); coding-DNA position 1235, C replaced by T.
Protein change: p.Ala412Val; replaces alanine 412 with valine.
Molecular consequence: missense variant.
Genome position (GRCh38, 1-based): chr16:89,791,527, G>A on the plus strand (C>T on the coding strand, the complement: FANCA is on the minus strand). VCF-style: chr16-89791527-G-A. GRCh37 (hg19) VCF-style: chr16-89857935-G-A.
Other names: c.1235C>T (LRG_495t1, NM_000135.3); c.1235C>T, p.Ala412Val (NM_001286167.3); short protein forms A412V.
Identifiers: ClinVar variation 134242 (VCV000134242.35), dbSNP rs11646374, ClinGen allele CA159241.

ClinVar aggregate classification (germline): Benign/Likely benign. Review status: criteria provided, multiple submitters, no conflicts (2 of 4 stars). 13 submissions from 13 submitters: Benign (9); Likely benign (2). 2 of the submissions do not count toward it. Last evaluated 2026-02-04.

Conditions:
Fanconi anemia (FA). Also called: Fanconi's anemia. Identifiers: Orphanet 84, MedGen C0015625, MeSH D005199, MONDO:0019391.
Fanconi anemia complementation group A (FANCA). Also called: Fanconi anemia, group A; FANCA-Related Fanconi Anemia. Identifiers: Orphanet 84, MedGen C3469521, MONDO:0009215, OMIM 227650.

Allele frequency attached by ClinVar (database versions not stated): 1000 Genomes Project 0.07049; gnomAD exomes 0.07864 and 0.06632; TOPMed 0.05678; gnomAD 0.05837 and 0.05945; ESP Exome Variant Server 0.05956; ExAC 0.06513; 1000 Genomes Project 30x 0.06652.
gnomAD v4.1: 124,176 of 1,613,900 alleles (7.7%); highest among the groups gnomAD compares: East Asian, 16%; 5,714 homozygotes.

Submissions (34):

Labcorp Genetics (formerly Invitae), Labcorp
Classification: Benign for Fanconi anemia. Last evaluated: 2026-02-04. Review status: criteria provided, single submitter. Criteria: Invitae Variant Classification Sherloc (09022015). Collection method: clinical testing. Allele origin: germline.

Mayo Clinic Laboratories, Mayo Clinic
Classification: Benign. Last evaluated: 2025-09-16. Review status: criteria provided, single submitter. Criteria: ACMG Guidelines, 2015. Collection method: clinical testing. Allele origin: germline. Observed: 191 variant alleles.
Comment: BA1

ARUP Laboratories, Molecular Genetics and Genomics, ARUP Laboratories
Classification: Benign for Fanconi anemia complementation group A. Last evaluated: 2025-07-28. Review status: criteria provided, single submitter. Criteria: ARUP Molecular Germline Variant Investigation Process 2024. Collection method: clinical testing. Allele origin: germline.

GeneKor MSA
Classification: Benign for Fanconi anemia complementation group A. Last evaluated: 2025-07-10. Review status: criteria provided, single submitter. Criteria: ACMG Guidelines, 2015. Collection method: clinical testing. Allele origin: germline.

Blueprint Genetics
Classification: Benign. Last evaluated: 2024-11-27. Review status: criteria provided, single submitter. Criteria: ACMG Guidelines, 2015. Collection method: clinical testing. Allele origin: germline.

KCCC/NGS Laboratory, Kuwait Cancer Control Center
Classification: Benign for Fanconi anemia complementation group A. Last evaluated: 2023-07-07. Review status: criteria provided, single submitter. Criteria: ACMG Guidelines, 2015. Collection method: clinical testing. Allele origin: germline. Affected: yes.

Women's Health and Genetics/Laboratory Corporation of America, LabCorp
Classification: Likely benign. Last evaluated: 2021-12-10. Review status: criteria provided, single submitter. Criteria: LabCorp Variant Classification Summary - May 2015. Collection method: clinical testing. Allele origin: germline.

GeneDx
Classification: Benign. Last evaluated: 2019-03-12. Review status: criteria provided, single submitter. Criteria: GeneDx Variant Classification Process June 2021. Collection method: clinical testing. Allele origin: germline. Affected: yes.
Comment: This variant is associated with the following publications: (PMID: 27153395, 10094191, 23021409, 24286411, 27884173, 24728327)

Illumina Laboratory Services, Illumina
Classification: Benign for Fanconi anemia complementation group A. Last evaluated: 2018-01-12. Review status: criteria provided, single submitter. Criteria: ICSL Variant Classification Criteria 13 December 2019. Collection method: clinical testing. Allele origin: germline.
Comment: This variant was observed in the ICSL laboratory as part of a predisposition screen in an ostensibly healthy population. It had not been previously curated by ICSL or reported in the Human Gene Mutation Database (HGMD: prior to June 1st, 2018), and was therefore a candidate for classification through an automated scoring system. Utilizing variant allele frequency, disease prevalence and penetrance estimates, and inheritance mode, an automated score was calculated to assess if this variant is too frequent to cause the disease. Based on the score and internal cut-off values, a variant classified as benign is not then subjected to further curation. The score for this variant resulted in a classification of benign for this disease.

Breakthrough Genomics
Classification: Likely benign. Review status: criteria provided, single submitter. Criteria: ACMG Guidelines, 2015. Collection method: not provided. Allele origin: germline. Inheritance: Autosomal recessive inheritance. Affected: yes.

PreventionGenetics, part of Exact Sciences
Classification: Benign. Review status: criteria provided, single submitter. Criteria: ACMG Guidelines, 2015. Collection method: clinical testing. Allele origin: germline.

Natera, Inc.
Classification: Benign for Fanconi anemia, group A. Last evaluated: 2020-09-16. Review status: no assertion criteria provided. Collection method: clinical testing. Allele origin: germline. Not counted in ClinVar's aggregate classification.

ITMI
No classification provided. Condition: AllHighlyPenetrant. Last evaluated: 2013-09-19. Review status: no classification provided. Collection method: reference population. Allele origin: germline. Not counted in ClinVar's aggregate classification.
Comment: Please see associated publication for description of ethnicities

Dr. Peter K. Rogan Lab, Western University
No classification provided (evidence only). Condition: Colorectal cancer. Review status: no classification provided. Collection method: in vitro. Allele origin: not applicable. Functional consequence: skipped exon, retained intron. Not counted in ClinVar's aggregate classification.

Dr. Peter K. Rogan Lab, Western University
No classification provided (evidence only). Condition: Colorectal cancer. Review status: no classification provided. Collection method: in vitro. Allele origin: not applicable. Functional consequence: skipped exon. Not counted in ClinVar's aggregate classification.

Dr. Peter K. Rogan Lab, Western University
No classification provided (evidence only). Condition: Colorectal cancer. Review status: no classification provided. Collection method: in vitro. Allele origin: not applicable. Functional consequence: skipped exon, retained intron. Not counted in ClinVar's aggregate classification.

Dr. Peter K. Rogan Lab, Western University
No classification provided (evidence only). Condition: Colorectal cancer. Review status: no classification provided. Collection method: in vitro. Allele origin: not applicable. Functional consequence: retained intron. Not counted in ClinVar's aggregate classification.

Dr. Peter K. Rogan Lab, Western University
No classification provided (evidence only). Condition: Malignant lymphoma, large B-cell, diffuse. Review status: no classification provided. Collection method: in vitro. Allele origin: not applicable. Functional consequence: retained intron. Not counted in ClinVar's aggregate classification.

Dr. Peter K. Rogan Lab, Western University
No classification provided (evidence only). Condition: Malignant lymphoma, large B-cell, diffuse. Review status: no classification provided. Collection method: in vitro. Allele origin: not applicable. Functional consequence: retained intron. Not counted in ClinVar's aggregate classification.

Dr. Peter K. Rogan Lab, Western University
No classification provided (evidence only). Condition: Malignant lymphoma, large B-cell, diffuse. Review status: no classification provided. Collection method: in vitro. Allele origin: not applicable. Functional consequence: retained intron. Not counted in ClinVar's aggregate classification.

Dr. Peter K. Rogan Lab, Western University
No classification provided (evidence only). Condition: Malignant lymphoma, large B-cell, diffuse. Review status: no classification provided. Collection method: in vitro. Allele origin: not applicable. Functional consequence: skipped exon, retained intron. Not counted in ClinVar's aggregate classification.

Dr. Peter K. Rogan Lab, Western University
No classification provided (evidence only). Condition: Malignant lymphoma, large B-cell, diffuse. Review status: no classification provided. Collection method: in vitro. Allele origin: not applicable. Functional consequence: retained intron. Not counted in ClinVar's aggregate classification.

Dr. Peter K. Rogan Lab, Western University
No classification provided (evidence only). Condition: Malignant lymphoma, large B-cell, diffuse. Review status: no classification provided. Collection method: in vitro. Allele origin: not applicable. Functional consequence: skipped exon, retained intron. Not counted in ClinVar's aggregate classification.

Dr. Peter K. Rogan Lab, Western University
No classification provided (evidence only). Condition: Thymoma. Review status: no classification provided. Collection method: in vitro. Allele origin: not applicable. Functional consequence: retained intron. Not counted in ClinVar's aggregate classification.

Dr. Peter K. Rogan Lab, Western University
No classification provided (evidence only). Condition: Thymoma. Review status: no classification provided. Collection method: in vitro. Allele origin: not applicable. Functional consequence: skipped exon, retained intron. Not counted in ClinVar's aggregate classification.

Dr. Peter K. Rogan Lab, Western University
No classification provided (evidence only). Condition: Adrenocortical carcinoma, hereditary. Review status: no classification provided. Collection method: in vitro. Allele origin: not applicable. Functional consequence: retained intron. Not counted in ClinVar's aggregate classification.

Dr. Peter K. Rogan Lab, Western University
No classification provided (evidence only). Condition: Adrenocortical carcinoma, hereditary. Review status: no classification provided. Collection method: in vitro. Allele origin: not applicable. Functional consequence: retained intron. Not counted in ClinVar's aggregate classification.

Dr. Peter K. Rogan Lab, Western University
No classification provided (evidence only). Condition: Adrenocortical carcinoma, hereditary. Review status: no classification provided. Collection method: in vitro. Allele origin: not applicable. Functional consequence: retained intron. Not counted in ClinVar's aggregate classification.

Dr. Peter K. Rogan Lab, Western University
No classification provided (evidence only). Condition: Uterine carcinosarcoma. Review status: no classification provided. Collection method: in vitro. Allele origin: not applicable. Functional consequence: retained intron. Not counted in ClinVar's aggregate classification.

Dr. Peter K. Rogan Lab, Western University
No classification provided (evidence only). Condition: Uterine carcinosarcoma. Review status: no classification provided. Collection method: in vitro. Allele origin: not applicable. Functional consequence: retained intron. Not counted in ClinVar's aggregate classification.

Dr. Peter K. Rogan Lab, Western University
No classification provided (evidence only). Condition: Uterine carcinosarcoma. Review status: no classification provided. Collection method: in vitro. Allele origin: not applicable. Functional consequence: retained intron. Not counted in ClinVar's aggregate classification.

Dr. Peter K. Rogan Lab, Western University
No classification provided (evidence only). Condition: Uveal melanoma. Review status: no classification provided. Collection method: in vitro. Allele origin: not applicable. Functional consequence: retained intron. Not counted in ClinVar's aggregate classification.

Dr. Peter K. Rogan Lab, Western University
No classification provided (evidence only). Condition: Uveal melanoma. Review status: no classification provided. Collection method: in vitro. Allele origin: not applicable. Functional consequence: retained intron. Not counted in ClinVar's aggregate classification.

Dr. Peter K. Rogan Lab, Western University
No classification provided (evidence only). Condition: Uveal melanoma. Review status: no classification provided. Collection method: in vitro. Allele origin: not applicable. Functional consequence: retained intron. Not counted in ClinVar's aggregate classification.

Literature cited by the submitters: PubMed 24728327 (cited by ITMI).